The following is an entry in ClinVar:

NM_001009944.3(PKD1):c.1145G>A (p.Gly382Asp)

Gene: PKD1 (polycystin 1, transient receptor potential channel interacting; minus strand). Cytogenetic location: 16p13.3.
Variant type: single nucleotide variant.
Coding change: c.1145G>A on transcript NM_001009944.3 (MANE Select); coding-DNA position 1145, G replaced by A.
Protein change: p.Gly382Asp; replaces glycine 382 with aspartic acid.
Molecular consequence: missense variant.
Genome position (GRCh38, 1-based): chr16:2,117,847, C>T on the plus strand (G>A on the coding strand, the complement: PKD1 is on the minus strand). VCF-style: chr16-2117847-C-T. GRCh37 (hg19) VCF-style: chr16-2167848-C-T.
Other names: c.1145G>A, p.Gly382Asp (NM_000296.4); short protein forms G382D.
Identifiers: ClinVar variation 3384539 (VCV003384539.2).
Genomic context (GRCh38, chr16:2,117,847, plus strand): 5'-TCACCTCGGGCCGGCTCCTCGCCCAGGGCCACGATGCTGTAGGCGGCCTCCAGGCCTGAA[C>T]CACCGCGGTTCTGGATGCTGAGGTCGAGGCTCTCGTCACTCTGCACCGAGGACGGGCACA-3'
Protein context (NP_001009944.3, residues 372-392): SLDLSIQNRG[Gly382Asp]SGLEAAYSIV

ClinVar aggregate classification (germline): Uncertain significance. Review status: criteria provided, multiple submitters, no conflicts (2 of 4 stars). 2 submissions from 2 submitters: Uncertain significance (2). Last evaluated 2025-01-21.

Conditions:
PKD1-related disorder. Also called: PKD1-related condition.

Submissions (2):

PreventionGenetics, part of Exact Sciences
Classification: Uncertain significance for PKD1-related condition. Last evaluated: 2025-01-21. Review status: criteria provided, single submitter. Criteria: ACMG Guidelines, 2015. Collection method: clinical testing. Allele origin: germline.
Comment: The PKD1 c.1145G>A variant is predicted to result in the amino acid substitution p.Gly382Asp. To our knowledge, this variant has not been reported in the literature or in a large population database (gnomAD), indicating this variant is rare. Of note, different substitutions at the same codon were reported in patients with autosomal dominant polycystic kidney disease (ADPKD) (c.1144G>T, p.Gly382Cys in Table S2, Kurashige et al. 2015. PubMed ID: 24611717; c.1145G>T, p.Gly382Val in Table S1, Kimura et al. 2023. PubMed ID: 37509056). Although we suspect that the c.1145G>A (p.Gly382Asp) variant may be pathogenic, at this time, the clinical significance of this variant is uncertain due to the absence of conclusive functional and genetic evidence.

GeneDx
Classification: Uncertain significance. Last evaluated: 2024-06-03. Review status: criteria provided, single submitter. Criteria: GeneDx Variant Classification Process June 2021. Collection method: clinical testing. Allele origin: germline. Affected: yes.
Comment: Not observed at significant frequency in large population cohorts (gnomAD); In silico analysis indicates that this missense variant does not alter protein structure/function; Has not been previously published as pathogenic or benign to our knowledge